The following is an entry in ClinVar:

NM_006231.4(POLE):c.404C>T (p.Pro135Leu)

Gene: POLE (DNA polymerase epsilon, catalytic subunit; minus strand). Cytogenetic location: 12q24.33.
Variant type: single nucleotide variant.
Coding change: c.404C>T on transcript NM_006231.4 (MANE Select); coding-DNA position 404, C replaced by T.
Protein change: p.Pro135Leu; replaces proline 135 with leucine.
Molecular consequence: missense variant.
Genome position (GRCh38, 1-based): chr12:132,679,973, G>A on the plus strand (C>T on the coding strand, the complement: POLE is on the minus strand). VCF-style: chr12-132679973-G-A. GRCh37 (hg19) VCF-style: chr12-133256559-G-A.
Other names: short protein forms P135L.
Identifiers: ClinVar variation 2625227 (VCV002625227.2), dbSNP rs1565980234, ClinGen allele CA387368036.

ClinVar aggregate classification (germline): Uncertain significance (1 of 4 stars; one submission).

Conditions:
Hereditary cancer-predisposing syndrome. Also called: Tumor predisposition; Hereditary Cancer Syndrome; Hereditary neoplastic syndrome; Neoplastic Syndromes, Hereditary. Identifiers: Orphanet 140162, MedGen C0027672, MeSH D009386, MONDO:0015356.

Allele frequency attached by ClinVar (database versions not stated): gnomAD exomes below 0.00001.
gnomAD v4.1: 1 of 1,613,136 alleles (0.000062%); highest among the groups gnomAD compares: South Asian, 0.0011%; no homozygotes.

Submission:

Ambry Genetics
Classification: Uncertain significance for Hereditary cancer-predisposing syndrome. Last evaluated: 2023-07-03. Review status: criteria provided, single submitter. Criteria: Ambry Variant Classification Scheme 2023. Collection method: clinical testing. Allele origin: germline.
Comment: The p.P135L variant (also known as c.404C>T), located in coding exon 5 of the POLE gene, results from a C to T substitution at nucleotide position 404. The proline at codon 135 is replaced by leucine, an amino acid with similar properties. This amino acid position is conserved. In addition, this alteration is predicted to be tolerated by in silico analysis. Since supporting evidence is limited at this time, the clinical significance of this alteration remains unclear.